The following is an entry in ClinVar:

ClinVar aggregate classification (germline): Uncertain significance. Review status: criteria provided, multiple submitters, no conflicts (2 of 4 stars). 2 submissions from 2 submitters: Uncertain significance (2). Last evaluated 2022-11-23.

Conditions:
Hereditary cancer-predisposing syndrome. Also called: Tumor predisposition; Hereditary neoplastic syndrome; Neoplastic Syndromes, Hereditary; Hereditary Cancer Syndrome. Identifiers: Orphanet 140162, MedGen C0027672, MeSH D009386, MONDO:0015356.

Submissions (2):

Ambry Genetics
Classification: Uncertain significance for Hereditary cancer-predisposing syndrome. Last evaluated: 2022-11-23. Review status: criteria provided, single submitter. Criteria: Ambry Variant Classification Scheme 2023. Collection method: clinical testing. Allele origin: germline.
Comment: The p.S635N variant (also known as c.1904G>A), located in coding exon 12 of the RAD50 gene, results from a G to A substitution at nucleotide position 1904. The serine at codon 635 is replaced by asparagine, an amino acid with highly similar properties. This amino acid position is conserved. In addition, this alteration is predicted to be tolerated by in silico analysis. Since supporting evidence is limited at this time, the clinical significance of this alteration remains unclear.

Labcorp Genetics (formerly Invitae), Labcorp
Classification: Uncertain significance for Hereditary cancer-predisposing syndrome. Last evaluated: 2021-04-21. Review status: criteria provided, single submitter. Criteria: Invitae Variant Classification Sherloc (09022015). Collection method: clinical testing. Allele origin: germline.
Comment: In summary, the available evidence is currently insufficient to determine the role of this variant in disease. Therefore, it has been classified as a Variant of Uncertain Significance. Algorithms developed to predict the effect of missense changes on protein structure and function (SIFT, PolyPhen-2, Align-GVGD) all suggest that this variant is likely to be tolerated, but these predictions have not been confirmed by published functional studies and their clinical significance is uncertain. This variant has not been reported in the literature in individuals with RAD50-related conditions. This variant is not present in population databases (ExAC no frequency). This sequence change replaces serine with asparagine at codon 635 of the RAD50 protein (p.Ser635Asn). The serine residue is moderately conserved and there is a small physicochemical difference between serine and asparagine.

NM_005732.4(RAD50):c.1904G>A (p.Ser635Asn)

Gene: RAD50 (RAD50 double strand break repair protein; plus strand). Cytogenetic location: 5q31.1.
Variant type: single nucleotide variant.
Coding change: c.1904G>A on transcript NM_005732.4 (MANE Select); coding-DNA position 1904, G replaced by A.
Protein change: p.Ser635Asn; replaces serine 635 with asparagine.
Molecular consequence: missense variant.
Genome position (GRCh38, 1-based): chr5:132,594,979, G>A. VCF-style: chr5-132594979-G-A. GRCh37 (hg19) VCF-style: chr5-131930671-G-A.
Other names: c.1904G>A (NM_005732.3); short protein forms S635N.
Identifiers: ClinVar variation 1494466 (VCV001494466.9), dbSNP rs2149843742, ClinGen allele CA360948101.
Genomic context (GRCh38, chr5:132,594,979, plus strand): 5'-TAAAAAGAAAGGAAGAGCAGTTGTCCAGTTACGAAGACAAGCTGTTTGATGTTTGTGGTA[G>A]CCAGGATTTTGAAAGTGATTTAGACAGGCTTAAAGAGGAAATTGAAAAATCATCAAAACA-3'
Protein context (NP_005723.2, residues 625-645): YEDKLFDVCG[Ser635Asn]QDFESDLDRL